The following is an entry in ClinVar:

ClinVar aggregate classification (germline): Uncertain significance (1 of 4 stars; one submission).

Submission:

GeneDx
Classification: Uncertain significance. Last evaluated: 2023-01-25. Review status: criteria provided, single submitter. Criteria: GeneDx Variant Classification Process June 2021. Collection method: clinical testing. Allele origin: germline. Affected: yes.
Comment: Not observed at significant frequency in large population cohorts (gnomAD); In silico analysis supports that this missense variant does not alter protein structure/function; Has not been previously published as pathogenic or benign to our knowledge; This variant is associated with the following publications: (PMID: 10636916)

NM_005359.6(SMAD4):c.934C>A (p.Pro312Thr)

Gene: SMAD4 (SMAD family member 4; plus strand). Cytogenetic location: 18q21.2.
Variant type: single nucleotide variant.
Coding change: c.934C>A on transcript NM_005359.6 (MANE Select); coding-DNA position 934, C replaced by A.
Protein change: p.Pro312Thr; replaces proline 312 with threonine.
Molecular consequence: missense variant. On other transcripts: non-coding transcript variant (2).
Genome position (GRCh38, 1-based): chr18:51,059,895, C>A. VCF-style: chr18-51059895-C-A. GRCh37 (hg19) VCF-style: chr18-48586265-C-A.
Other names: c.934C>A, p.Pro312Thr (NM_001407041.1, NM_001407042.1, NM_001407043.1); short protein forms P312T.
Identifiers: ClinVar variation 2574387 (VCV002574387.1), dbSNP rs2144433460, ClinGen allele CA402463698.